The following is an entry in ClinVar:

ClinVar aggregate classification (germline): Uncertain significance (1 of 4 stars; one submission).

Conditions:
Norman-Roberts syndrome (LIS2). Also called: Lissencephaly 2 (Norman-Roberts type). Identifiers: Orphanet 89844, MedGen C0796089, MONDO:0009760, OMIM 257320.
Familial temporal lobe epilepsy 7. Identifiers: Orphanet 101046, MedGen C4225327, MONDO:0014639, OMIM 616436.

Submission:

Labcorp Genetics (formerly Invitae), Labcorp
Classification: Uncertain significance for Familial temporal lobe epilepsy 7; Norman-Roberts syndrome. Last evaluated: 2021-04-19. Review status: criteria provided, single submitter. Criteria: Invitae Variant Classification Sherloc (09022015). Collection method: clinical testing. Allele origin: germline.
Comment: In summary, the available evidence is currently insufficient to determine the role of this variant in disease. Therefore, it has been classified as a Variant of Uncertain Significance. Algorithms developed to predict the effect of missense changes on protein structure and function (SIFT, PolyPhen-2, Align-GVGD) all suggest that this variant is likely to be tolerated, but these predictions have not been confirmed by published functional studies and their clinical significance is uncertain. This variant has not been reported in the literature in individuals with RELN-related conditions. This variant is not present in population databases (ExAC no frequency). This sequence change replaces serine with threonine at codon 116 of the RELN protein (p.Ser116Thr). The serine residue is moderately conserved and there is a small physicochemical difference between serine and threonine.

NM_005045.4(RELN):c.346T>A (p.Ser116Thr)

Gene: RELN (reelin; minus strand). Cytogenetic location: 7q22.1.
Variant type: single nucleotide variant.
Coding change: c.346T>A on transcript NM_005045.4 (MANE Select); coding-DNA position 346, T replaced by A.
Protein change: p.Ser116Thr; replaces serine 116 with threonine.
Molecular consequence: missense variant.
Genome position (GRCh38, 1-based): chr7:103,833,664, A>T on the plus strand (T>A on the coding strand, the complement: RELN is on the minus strand). VCF-style: chr7-103833664-A-T. GRCh37 (hg19) VCF-style: chr7-103474111-A-T.
Other names: c.346T>A, p.Ser116Thr (NM_173054.3); short protein forms S116T.
Identifiers: ClinVar variation 1389009 (VCV001389009.8), dbSNP rs1793329078, ClinGen allele CA368930926.